The following is an entry in ClinVar:

NM_000057.4(BLM):c.4211C>G (p.Pro1404Arg)

Gene: BLM (BLM RecQ like helicase; plus strand). Cytogenetic location: 15q26.1.
Variant type: single nucleotide variant.
Coding change: c.4211C>G on transcript NM_000057.4 (MANE Select); coding-DNA position 4211, C replaced by G.
Protein change: p.Pro1404Arg; replaces proline 1404 with arginine.
Molecular consequence: missense variant.
Genome position (GRCh38, 1-based): chr15:90,815,236, C>G. VCF-style: chr15-90815236-C-G. GRCh37 (hg19) VCF-style: chr15-91358466-C-G.
Other names: c.4211C>G, p.Pro1404Arg (NM_001287246.2); c.3818C>G, p.Pro1273Arg (NM_001287247.2); c.3086C>G, p.Pro1029Arg (NM_001287248.2); short protein forms P1029R, P1273R, P1404R.
Identifiers: ClinVar variation 5032933 (VCV005032933.1).

ClinVar aggregate classification (germline): Uncertain significance (1 of 4 stars; one submission).

Conditions:
Hereditary cancer-predisposing syndrome. Also called: Neoplastic Syndromes, Hereditary; Tumor predisposition; Hereditary neoplastic syndrome; Hereditary Cancer Syndrome. Identifiers: Orphanet 140162, MedGen C0027672, MeSH D009386, MONDO:0015356.

Submission:

Ambry Genetics
Classification: Uncertain significance for Hereditary cancer-predisposing syndrome. Last evaluated: 2026-09-04. Review status: criteria provided, single submitter. Criteria: Ambry Variant Classification Scheme 2023. Collection method: clinical testing. Allele origin: germline.
Comment: The p.P1404R variant (also known as c.4211C>G), located in coding exon 21 of the BLM gene, results from a C to G substitution at nucleotide position 4211. The proline at codon 1404 is replaced by arginine, an amino acid with dissimilar properties. This amino acid position is conserved. In addition, this alteration is predicted to be deleterious by in silico analysis. Based on the available evidence, the clinical significance of this variant remains unclear.